The following is an entry in ClinVar:

ClinVar aggregate classification (germline): Uncertain significance (1 of 4 stars; one submission).

Conditions:
Norman-Roberts syndrome (LIS2). Also called: Lissencephaly 2 (Norman-Roberts type). Identifiers: Orphanet 89844, MedGen C0796089, MONDO:0009760, OMIM 257320.
Familial temporal lobe epilepsy 7. Identifiers: Orphanet 101046, MedGen C4225327, MONDO:0014639, OMIM 616436.

Submission:

Labcorp Genetics (formerly Invitae), Labcorp
Classification: Uncertain significance for Familial temporal lobe epilepsy 7; Norman-Roberts syndrome. Last evaluated: 2025-11-01. Review status: criteria provided, single submitter. Criteria: Invitae Variant Classification Sherloc (09022015). Collection method: clinical testing. Allele origin: germline.
Comment: This sequence change replaces alanine, which is neutral and non-polar, with valine, which is neutral and non-polar, at codon 1310 of the RELN protein (p.Ala1310Val). This variant is present in population databases (rs748119997, gnomAD 0.0009%). This variant has not been reported in the literature in individuals affected with RELN-related conditions. Invitae Evidence Modeling of protein sequence and biophysical properties (such as structural, functional, and spatial information, amino acid conservation, physicochemical variation, residue mobility, and thermodynamic stability) indicates that this missense variant is not expected to disrupt RELN protein function with a negative predictive value of 80%. In summary, the available evidence is currently insufficient to determine the role of this variant in disease. Therefore, it has been classified as a Variant of Uncertain Significance.

NM_005045.4(RELN):c.3929C>T (p.Ala1310Val)

Gene: RELN (reelin; minus strand). Cytogenetic location: 7q22.1.
Variant type: single nucleotide variant.
Coding change: c.3929C>T on transcript NM_005045.4 (MANE Select); coding-DNA position 3929, C replaced by T.
Protein change: p.Ala1310Val; replaces alanine 1310 with valine.
Molecular consequence: missense variant.
Genome position (GRCh38, 1-based): chr7:103,589,812, G>A on the plus strand (C>T on the coding strand, the complement: RELN is on the minus strand). VCF-style: chr7-103589812-G-A. GRCh37 (hg19) VCF-style: chr7-103230259-G-A.
Other names: c.3929C>T, p.Ala1310Val (NM_173054.3); short protein forms A1310V.
Identifiers: ClinVar variation 4790176 (VCV004790176.1).